The following is an entry in ClinVar:

ClinVar aggregate classification (germline): Pathogenic. Review status: criteria provided, multiple submitters, no conflicts (2 of 4 stars). 35 submissions from 34 submitters: Pathogenic (29). 6 of the submissions do not count toward it. Last evaluated 2026-02-01.

Conditions:
Erythrocytosis, familial, 6. Also called: ERYTHROCYTOSIS, BETA-GLOBIN TYPE; POLYCYTHEMIA, BETA-GLOBIN TYPE. Identifiers: MedGen C4693822, MONDO:0054801, OMIM 617980.
Beta-thalassemia HBB/LCRB. Identifiers: MedGen CN322236, MONDO:0013517, OMIM 613985.
METHEMOGLOBINEMIA, BETA TYPE. Also called: Methemoglobinemia, beta-globin type. Identifiers: MedGen C1840779, OMIM 617971.
Hb SS disease (SCD). Also called: Sickle cell anemia; Sickle cell disease; HbS disease; Hemoglobin S Disease; Sickling disorder due to hemoglobin S; Hemoglobin SS. Identifiers: Orphanet 232, Orphanet 275752, MedGen C0002895, MONDO:0011382, OMIM 603903.
Dominant beta-thalassemia. Also called: Beta-thalassemia, dominant inclusion body type. Identifiers: Orphanet 231226, Orphanet 848, MedGen C1858990, MONDO:0011381, OMIM 603902.
Heinz body anemia. Also called: Heinz body hemolytic anemia. Identifiers: Orphanet 178330, MedGen C0700299, MONDO:0007705, OMIM 140700, HP:0005511.
Malaria, susceptibility to. Identifiers: Orphanet 673, MedGen C1970028, MONDO:0021024, OMIM 611162.
Hereditary persistence of fetal hemoglobin. Identifiers: MedGen C0019025, MONDO:0020989, OMIM 141749.
HBB-related disorder. Also called: HBB-related condition; HBB-related disorders. Identifiers: MedGen CN239378.
Beta zero thalassemia. Identifiers: MedGen C0271980.
beta Thalassemia (BTHAL). Also called: Cooley's anemia; Erythroblastic anemia; Mediterranean anemia. Identifiers: Orphanet 848, MedGen C0005283, MONDO:0019402. Disease mechanism: loss of function.

Allele frequency attached by ClinVar (database versions not stated): TOPMed 0.00012; ExAC 0.00004; gnomAD exomes 0.00004; gnomAD 0.00003.
gnomAD v4.1: 52 of 1,613,412 alleles (0.0032%); highest among the groups gnomAD compares: Middle Eastern, 0.099%; no homozygotes.

Submissions 1 to 10 of 35:

CeGaT Center for Human Genetics Tuebingen
Classification: Pathogenic. Last evaluated: 2026-02-01. Review status: criteria provided, single submitter. Criteria: CeGaT Center For Human Genetics Tuebingen Variant Classification Criteria Version 2. Collection method: clinical testing. Allele origin: germline. Affected: yes. Observed: 2 variant alleles.
Comment: HBB: PM3:Very Strong, PVS1:Strong, PM2, PP4, PS1:Supporting

Natera, Inc.
Classification: Pathogenic for Beta thalassemia. Last evaluated: 2025-12-30. Review status: criteria provided, single submitter. Criteria: Natera Variant Classification Schema (03/2026). Collection method: clinical testing. Allele origin: germline.
Comment: The c.315+1G>A variant in HBB is a canonical splice donor site variant predicted to affect pre-mRNA splicing, which may result in an abnormal transcript and altered protein product. This variant is expected to result in nonsense mediated decay, truncation, or a dysfunctional protein product. This variant is rare in the general population with a frequency below the threshold expected for the associated phenotype(s). This variant has been observed in one or more individuals affected with the associated recessive disease, as either homozygous or compound heterozygous with a second variant (PMID: 33335418). Given the available evidence, this variant is classified as Pathogenic.

Center for Genomic Medicine, Rigshospitalet, Copenhagen University Hospital
Classification: Pathogenic. Last evaluated: 2025-12-29. Review status: criteria provided, single submitter. Criteria: ACMG Guidelines, 2015. Collection method: clinical testing. Allele origin: germline.

Labcorp Genetics (formerly Invitae), Labcorp
Classification: Pathogenic. Last evaluated: 2025-12-01. Review status: criteria provided, single submitter. Criteria: Invitae Variant Classification Sherloc (09022015). Collection method: clinical testing. Allele origin: germline.
Comment: This sequence change affects a donor splice site in intron 2 of the HBB gene. RNA analysis indicates that disruption of this splice site induces altered splicing and likely disrupts the C-terminus of the protein. This variant is present in population databases (rs33945777, gnomAD 0.02%). Disruption of this splice site has been observed in individuals with HBB-related conditions (PMID: 2446680, 23590658, 25332589, 27263053, 28391758). This variant is also known as IVS-II-1 (G>A). ClinVar contains an entry for this variant (Variation ID: 15438). Variants that disrupt the consensus splice site are a relatively common cause of aberrant splicing (PMID: 17576681, 9536098). Studies have shown that disruption of this splice site results in insertion of the first 47 nucleotides of intron 2 between exons 2 and 3 or with exon 2 skipping and introduces a new termination codon (PMID: 7151176). However the mRNA is not expected to undergo nonsense-mediated decay. For these reasons, this variant has been classified as Pathogenic.

Otogenetics
Classification: Pathogenic for beta Thalassemia. Last evaluated: 2025-09-02. Review status: criteria provided, single submitter. Criteria: ACMG Guidelines, 2015. Collection method: clinical testing. Allele origin: germline.
Comment: PVS1_Strong: Splice site variant disrupts reading frame, removing >10% of protein product; PM2: Maximum gnomAD MAF of 0.016% in African (AFR) subpopulation (<0.231% threshold); PP3: In-silico models predict deleterious affect (MutationTaster = 1, SpliceAI = 1)

ARUP Laboratories, Molecular Genetics and Genomics, ARUP Laboratories
Classification: Pathogenic. Last evaluated: 2025-07-21. Review status: criteria provided, single submitter. Criteria: ARUP Molecular Germline Variant Investigation Process 2024. Collection method: clinical testing. Allele origin: germline.
Comment: The HBB c.315+1G>A variant (rs33945777, HbVar ID: 884), also known as IVS-II-1 G>A, has been identified in multiple patients with beta-0 thalassemia in both the homozygous state and in heterozygotes with a second pathogenic HBB variant (Jalilian 2017, Oppenheim 1990, Treisman 1982, Wong 1986, HbVar database). This variant abolishes the canonical splice donor site of intron 2, and functional characterization indicates the absence of normally spliced transcripts and generation of small amounts of aberrantly spliced mRNA (Treisman 1982, Treisman 1983), consistent with computational predictions (Alamut v.2.11). The variant is reported as pathogenic in ClinVar (Variation ID: 15438) and is found in the general population with an overall allele frequency of 0.004% (11/282562 alleles) in the Genome Aggregation Database. Based on the above information, the variant is classified as pathogenic. References: Link to HbVar database: Link to HbVar database: Jalilian M et al. The Frequency of HBB Mutations Among ÃŸ-Thalassemia Patients in Hamadan Province, Iran. Hemoglobin. 2017 Jan;41(1):61-64. PMID: 28391758. Oppenheim A et al. Intrinsic potential for high fetal hemoglobin production in a Druz family with beta-thalassemia is due to an unlinked genetic determinant. Hum Genet. 1990 Dec;86(2):175-80. PMID: 1702403. Treisman R et al. A single-base change at a splice site in a beta 0-thalassemic gene causes abnormal RNA splicing. Cell. 1982 Jul;29(3):903-11. PMID: 7151176 Treisman R et al. Specific transcription and RNA splicing defects in five cloned beta-thalassaemia genes. Nature. 1983 Apr 14;302(5909):591-6. PMID: 6188062. Wong C et al. On the origin and spread of beta-thalassemia: recurrent observation of four mutations in different ethnic groups. Proc Natl Acad Sci U S A. 1986 Sep;83(17):6529-32. PMID: 3462712.

Revvity Omics, Revvity
Classification: Pathogenic. Last evaluated: 2025-04-03. Review status: criteria provided, single submitter. Criteria: ACMG Guidelines, 2015. Collection method: clinical testing. Allele origin: germline.

Rady Children's Institute for Genomic Medicine, Rady Children's Hospital San Diego
Classification: Pathogenic for HBB-related disorders. Last evaluated: 2025-03-11. Review status: criteria provided, single submitter. Criteria: ACMG Guidelines, 2015. Collection method: clinical testing. Allele origin: germline. Affected: yes.
Comment: This variant is also referred to as IVS2-1 G>A in the literature (PMID: 20301599). This is a known Pathogenic variant that has been previously reported as a compound heterozygous or homozygous change in patients with autosomal recessive beta-thalassemia (PMID: 2446680, 23590658, 25332589, 27263053, 28391758, 8091935, 24106605, 27263053, 31372199, 37671080). This variant affects the canonical splice donor site of intron 2 and is therefore predicted to interfere with splicing and result in loss of normal protein function through either protein truncation or nonsense-mediated mRNA decay. Functional studies demonstrated that the c.315+1G>A variant resulted in aberrant splicing and as such is classified as a beta (0) variant (PMID: 7151176, 27263053). Loss-of-function variation in HBB is an established mechanism of disease (PMID: 20301599). The c.315+1G>A variant is present in the latest version of the gnomAD population database at an allele frequency of 0.003% (52/1613412). Based on the available evidence, c.315+1G>A is classified as Pathogenic.

Blueprint Genetics
Classification: Pathogenic for HBB-related disorders. Last evaluated: 2024-09-20. Review status: criteria provided, single submitter. Criteria: ACMG Guidelines, 2015. Collection method: clinical testing. Allele origin: germline. Affected: yes. Observed: 5 variant alleles.

Genetics Laboratory, Al-Manara University for Medical Sciences
Classification: Pathogenic for Beta-thalassemia HBB/LCRB. Last evaluated: 2024-05-24. Review status: criteria provided, single submitter. Criteria: ACMG Guidelines, 2015. Collection method: research. Allele origin: germline. Affected: yes.
Comment: NM_000518.4(HBB):c.315+1G>A is classified as pathogenic in the context of Hb beta chain-related hemoglobinopathy; it is associated with beta thalassemia and is classified as a beta-zero variant. Classification of NM_000518.5(HBB):c.315+1G>A is based on the following criteria: The variant is located at a canonical splice site, is expected to disrupt gene function and is reported in individuals with the relevant phenotype. This variant in the HBB gene has been ClinVar submitted previously in patients with beta thalassemia as pathogenic (Accessions: SCV001163650.1, SCV001193967.2, SCV001520749.1, SCV001984020.1 and more).

NM_000518.5(HBB):c.315+1G>A

Genes: HBB (hemoglobin subunit beta; minus strand), LOC110006319 (beta-globin gene 3' regulatory region; plus strand), LOC106099062 (HBB recombination region; plus strand), LOC107133510 (origin of replication at HBB; plus strand). Cytogenetic location: 11p15.4.
Variant type: single nucleotide variant.
Coding change: c.315+1G>A on transcript NM_000518.5 (MANE Select); the canonical splice donor site of the intron after coding-DNA position 315, G replaced by A.
Molecular consequence: splice donor variant.
Genome position (GRCh38, 1-based): chr11:5,226,576, C>T on the plus strand (G>A on the coding strand, the complement: HBB is on the minus strand). VCF-style: chr11-5226576-C-T. GRCh37 (hg19) VCF-style: chr11-5247806-C-T.
Other names: IVS2-1G>A; IVS-2-1G>A; IVS II-1 G>A; IVS2, G-A, +1.
Identifiers: ClinVar variation 15438 (VCV000015438.147), dbSNP rs33945777, ClinGen allele CA125305.